The following is an entry in ClinVar:

ClinVar aggregate classification (germline): Benign/Likely benign. Review status: criteria provided, multiple submitters, no conflicts (2 of 4 stars). 3 submissions from 3 submitters: Benign (1); Likely benign (1). 1 of the submissions does not count toward it. Last evaluated 2024-02-06.

Conditions:
TBX3-related disorder. Also called: TBX3-related condition.
Ulnar-mammary syndrome (UMS). Also called: SCHINZEL SYNDROME; Ulnar-mammary syndrome of Pallister; PALLISTER ULNAR-MAMMARY SYNDROME. Identifiers: Orphanet 3138, MedGen C1866994, MONDO:0008411, OMIM 181450.

Allele frequency attached by ClinVar (database versions not stated): gnomAD exomes 0.00001 and 0.00002; TOPMed 0.00004; ExAC 0.00005; gnomAD 0.00005 and 0.00006; 1000 Genomes Project 30x 0.00016; 1000 Genomes Project 0.00020.
gnomAD v4.1: 30 of 1,582,136 alleles (0.0019%); highest among the groups gnomAD compares: African/African-American, 0.027%; no homozygotes.

Submissions (3):

Labcorp Genetics (formerly Invitae), Labcorp
Classification: Likely benign for Ulnar-mammary syndrome. Last evaluated: 2024-02-06. Review status: criteria provided, single submitter. Criteria: Invitae Variant Classification Sherloc (09022015). Collection method: clinical testing. Allele origin: germline.

Illumina Laboratory Services, Illumina
Classification: Benign for Ulnar-mammary syndrome. Last evaluated: 2018-01-12. Review status: criteria provided, single submitter. Criteria: ICSL Variant Classification Criteria 13 December 2019. Collection method: clinical testing. Allele origin: germline.
Comment: This variant was observed in the ICSL laboratory as part of a predisposition screen in an ostensibly healthy population. It had not been previously curated by ICSL or reported in the Human Gene Mutation Database (HGMD: prior to June 1st, 2018), and was therefore a candidate for classification through an automated scoring system. Utilizing variant allele frequency, disease prevalence and penetrance estimates, and inheritance mode, an automated score was calculated to assess if this variant is too frequent to cause the disease. Based on the score and internal cut-off values, a variant classified as benign is not then subjected to further curation. The score for this variant resulted in a classification of benign for this disease.

PreventionGenetics, part of Exact Sciences
Classification: Likely benign for TBX3-related condition. Last evaluated: 2020-04-20. Review status: no assertion criteria provided. Collection method: clinical testing. Allele origin: germline. Not counted in ClinVar's aggregate classification.
Comment: This variant is classified as likely benign based on ACMG/AMP sequence variant interpretation guidelines (Richards et al. 2015 PMID: 25741868, with internal and published modifications).

NM_005996.4(TBX3):c.1671C>G (p.Thr557=)

Gene: TBX3 (T-box transcription factor 3; minus strand). Cytogenetic location: 12q24.21.
Variant type: single nucleotide variant.
Coding change: c.1671C>G on transcript NM_005996.4 (MANE Select); coding-DNA position 1671, C replaced by G.
Protein change: p.Thr557=; no amino-acid change (threonine 557 retained).
Molecular consequence: synonymous variant.
Genome position (GRCh38, 1-based): chr12:114,674,204, G>C on the plus strand (C>G on the coding strand, the complement: TBX3 is on the minus strand). VCF-style: chr12-114674204-G-C. GRCh37 (hg19) VCF-style: chr12-115112009-G-C.
Other names: c.1731C>G, p.Thr577= (NM_016569.4); c.1731C>G (NM_016569.3).
Identifiers: ClinVar variation 307360 (VCV000307360.13), dbSNP rs548288032, ClinGen allele CA6809878.